The following is an entry in ClinVar:

ClinVar aggregate classification (germline): Uncertain significance (1 of 4 stars; one submission).

Conditions:
Hereditary breast ovarian cancer syndrome. Also called: Hereditary breast and ovarian cancer syndrome (HBOC); Breast and ovarian cancer; Hereditary breast and ovarian cancer; Hereditary breast and ovarian cancer syndrome; BRCA1- and BRCA2-Associated Hereditary Breast and Ovarian Cancer; Hereditary breast and/or ovarian cancer syndrome. Identifiers: Orphanet 145, MedGen C0677776, MeSH D061325, MONDO:0003582. Disease mechanism: loss of function.

Submission:

Labcorp Genetics (formerly Invitae), Labcorp
Classification: Uncertain significance for Hereditary breast ovarian cancer syndrome. Last evaluated: 2025-04-18. Review status: criteria provided, single submitter. Criteria: Invitae Variant Classification Sherloc (09022015). Collection method: clinical testing. Allele origin: germline.
Comment: This variant, c.8488_8496dup, results in the insertion of 3 amino acid(s) of the BRCA2 protein (p.Trp2830_Glu2832dup), but otherwise preserves the integrity of the reading frame. This variant is not present in population databases (gnomAD no frequency). This variant has not been reported in the literature in individuals affected with BRCA2-related conditions. Algorithms developed to predict the effect of sequence changes on RNA splicing suggest that this variant may disrupt the consensus splice site. In summary, the available evidence is currently insufficient to determine the role of this variant in disease. Therefore, it has been classified as a Variant of Uncertain Significance.

NC_000013.11:g.32370956_32370964dup

Gene: BRCA2 (BRCA2 DNA repair associated; plus strand). Cytogenetic location: 13q13.1.
Variant type: Duplication.
Genome position: GRCh38 VCF-style: chr13-32370953-C-CAGTGGATGG. GRCh37 (hg19) VCF-style: chr13-32945090-C-CAGTGGATGG.
Identifiers: ClinVar variation 4692859 (VCV004692859.1).
Genomic context (GRCh38, chr13:32,370,953, plus strand): 5'-TGATACAATTAACTTGAATGTTATATATGTGACTTTTTTGGTGTGTGTAACACATTATTA[C>CAGTGGATGG]AGTGGATGGAGAAGACATCATCTGGATTATACATATTTCGCAATGAAAGAGAGGAAGAAA-3'